The following is an entry in ClinVar:

NM_004006.3(DMD):c.1946G>C (p.Arg649Pro)

Gene: DMD (dystrophin; minus strand). Cytogenetic location: Xp21.1.
Variant type: single nucleotide variant.
Coding change: c.1946G>C on transcript NM_004006.3 (MANE Select); coding-DNA position 1946, G replaced by C.
Protein change: p.Arg649Pro; replaces arginine 649 with proline.
Molecular consequence: missense variant.
Genome position (GRCh38, 1-based): chrX:32,565,748, C>G on the plus strand (G>C on the coding strand, the complement: DMD is on the minus strand). VCF-style: chrX-32565748-C-G. GRCh37 (hg19) VCF-style: chrX-32583865-C-G.
Other names: c.1922G>C, p.Arg641Pro (NM_000109.4); c.1934G>C, p.Arg645Pro (NM_004009.3); c.1577G>C, p.Arg526Pro (NM_004010.3); short protein forms R526P, R641P, R645P, R649P.
Identifiers: ClinVar variation 1356256 (VCV001356256.8), dbSNP rs749004200, ClinGen allele CA412672413.
Genomic context (GRCh38, chrX:32,565,748, plus strand): 5'-TTGGTATCACTAACCTGTGCTGTACTCTTTTCAAGTTTTTGGACTAAATTATCCCAACAC[C>G]GGGCAAAGTTATCCAGCCATGCTTCCGTCTTCTGGGTCACTGACTTATTCTTCAGTGTTG-3'
Protein context (NP_003997.2, residues 639-659): KTEAWLDNFA[Arg649Pro]CWDNLVQKLE

ClinVar aggregate classification (germline): Uncertain significance (1 of 4 stars; one submission).

Conditions:
Duchenne muscular dystrophy (DMD). Also called: MUSCULAR DYSTROPHY, PSEUDOHYPERTROPHIC PROGRESSIVE, DUCHENNE TYPE; Duchenne Muscular Dystrophy (DMD). Identifiers: Orphanet 98896, MedGen C0013264, MONDO:0010679, OMIM 310200.

Submission:

Labcorp Genetics (formerly Invitae), Labcorp
Classification: Uncertain significance for Duchenne muscular dystrophy. Last evaluated: 2026-02-01. Review status: criteria provided, single submitter. Criteria: Invitae Variant Classification Sherloc (09022015). Collection method: clinical testing. Allele origin: germline.
Comment: This sequence change replaces arginine, which is basic and polar, with proline, which is neutral and non-polar, at codon 649 of the DMD protein (p.Arg649Pro). This variant is not present in population databases (gnomAD no frequency). This variant has not been reported in the literature in individuals affected with DMD-related conditions. ClinVar contains an entry for this variant (Variation ID: 1356256). Invitae Evidence Modeling of protein sequence and biophysical properties (such as structural, functional, and spatial information, amino acid conservation, physicochemical variation, residue mobility, and thermodynamic stability) indicates that this missense variant is not expected to disrupt DMD protein function with a negative predictive value of 95%. In summary, the available evidence is currently insufficient to determine the role of this variant in disease. Therefore, it has been classified as a Variant of Uncertain Significance.